The following is an entry in ClinVar:

NM_000059.4(BRCA2):c.1911T>C (p.Gly637=)

Gene: BRCA2 (BRCA2 DNA repair associated; plus strand). Cytogenetic location: 13q13.1.
Variant type: single nucleotide variant.
Coding change: c.1911T>C on transcript NM_000059.4 (MANE Select); coding-DNA position 1911, T replaced by C.
Protein change: p.Gly637=; no amino-acid change (glycine 637 retained).
Molecular consequence: synonymous variant.
Genome position (GRCh38, 1-based): chr13:32,336,266, T>C. VCF-style: chr13-32336266-T-C. GRCh37 (hg19) VCF-style: chr13-32910403-T-C.
Other names: p.G637G:GGT>GGC.
Identifiers: ClinVar variation 136554 (VCV000136554.74), dbSNP rs11571652, ClinGen allele CA013896.

ClinVar aggregate classification (germline): Benign. Review status: reviewed by expert panel (3 of 4 stars). 23 submissions from 23 submitters: Benign (1). 22 of the submissions do not count toward it. Last evaluated 2017-06-29.

Conditions:
Hereditary cancer-predisposing syndrome. Also called: Tumor predisposition; Hereditary neoplastic syndrome; Hereditary Cancer Syndrome; Neoplastic Syndromes, Hereditary. Identifiers: Orphanet 140162, MedGen C0027672, MeSH D009386, MONDO:0015356.
Hereditary breast ovarian cancer syndrome. Also called: Hereditary breast and ovarian cancer; Hereditary breast and/or ovarian cancer syndrome; BRCA1- and BRCA2-Associated Hereditary Breast and Ovarian Cancer; Hereditary breast and ovarian cancer syndrome (HBOC); Hereditary breast and ovarian cancer syndrome; Breast and ovarian cancer. Identifiers: Orphanet 145, MedGen C0677776, MeSH D061325, MONDO:0003582. Disease mechanism: loss of function.
Breast-ovarian cancer, familial, susceptibility to, 2 (BROVCA2). Also called: BRCA2 Hereditary Breast and Ovarian Cancer. Identifiers: Orphanet 145, MedGen C2675520, MONDO:0012933, OMIM 612555. Disease mechanism: loss of function.
Familial cancer of breast. Also called: Hereditary breast cancer; hereditary breast carcinoma; BREAST CANCER, FAMILIAL. Identifiers: Orphanet 227535, MedGen C0346153, MONDO:0016419, OMIM 114480. Disease mechanism: loss of function.
Malignant tumor of breast. Also called: Cancer breast; Malignant breast neoplasm. Identifiers: MedGen C0006142, MONDO:0007254. Disease mechanism: loss of function.

Allele frequency attached by ClinVar (database versions not stated): gnomAD exomes 0.00008 and 0.00028; ExAC 0.00043; gnomAD 0.00105 and 0.00109; TOPMed 0.00109; ESP Exome Variant Server 0.00146; 1000 Genomes Project 0.00240; 1000 Genomes Project 30x 0.00265.
gnomAD v4.1: 279 of 1,601,302 alleles (0.017%); highest among the groups gnomAD compares: African/African-American, 0.34%; no homozygotes.

Submissions (23):

Evidence-based Network for the Interpretation of Germline Mutant Alleles (ENIGMA)
Classification: Benign for Breast-ovarian cancer, familial, susceptibility to, 2. Last evaluated: 2017-06-29. Review status: reviewed by expert panel. Criteria: ENIGMA BRCA1/2 Classification Criteria (2017-06-29). Collection method: curation. Allele origin: germline.
Comment: Synonymous substitution variant, with low bioinformatic likelihood to alter mRNA splicing (splicing prior 0.04) and frequency 0.0048 (African), derived from ExAC (2014-12-17).

Labcorp Genetics (formerly Invitae), Labcorp
Classification: Benign for Hereditary breast ovarian cancer syndrome. Last evaluated: 2026-02-04. Review status: criteria provided, single submitter. Criteria: Invitae Variant Classification Sherloc (09022015). Collection method: clinical testing. Allele origin: germline. Not counted in ClinVar's aggregate classification.

CeGaT Center for Human Genetics Tuebingen
Classification: Likely benign. Last evaluated: 2026-01-01. Review status: criteria provided, single submitter. Criteria: CeGaT Center For Human Genetics Tuebingen Variant Classification Criteria Version 2. Collection method: clinical testing. Allele origin: germline. Affected: yes. Observed: 1 variant allele. Not counted in ClinVar's aggregate classification.
Comment: BRCA2: BP4, BS1

Dasa
Classification: Benign for Breast-ovarian cancer, familial, susceptibility to, 2. Last evaluated: 2025-12-29. Review status: criteria provided, single submitter. Criteria: DASA Assertion Criteria. Collection method: clinical testing. Allele origin: germline. Not counted in ClinVar's aggregate classification.
Comment: NM_000059.4(BRCA2):c.1911T>C (p.Gly637=) is a synonymous variant predicted not to alter the encoded amino acid sequence. Population frequency is inconsistent with a disease-causing role for this variant. Computational prediction algorithms are consistent with a benign effect. Therefore, based on the currently available evidence, this variant is classified as benign.

Institute for Biomarker Research, Medical Diagnostic Laboratories, L.L.C.
Classification: Benign for Hereditary breast ovarian cancer syndrome. Last evaluated: 2025-08-11. Review status: criteria provided, single submitter. Criteria: ACMG Guidelines, 2015. Collection method: clinical testing. Allele origin: germline. Not counted in ClinVar's aggregate classification.
Comment: The synonymous variant NM_000059.4(BRCA2):c.1911T>C (p.Gly637=) has been reported to ClinVar as Benign with a status of (3 stars) reviewed by expert panel (Variation ID 136554 as of 2025-07-03). The p.Gly637= variant is not predicted to disrupt the existing acceptor splice site 2bp upstream by any splice site algorithm. The p.Gly637= variant results in a substitution of a base that is not predicted conserved by GERP++ and PhyloP. For these reasons, this variant has been classified as Benign.

Center for Genomic Medicine, Rigshospitalet, Copenhagen University Hospital
Classification: Benign. Last evaluated: 2025-03-04. Review status: criteria provided, single submitter. Criteria: ACMG Guidelines, 2015. Collection method: clinical testing. Allele origin: germline. Not counted in ClinVar's aggregate classification.

Blueprint Genetics
Classification: Likely benign. Last evaluated: 2024-07-30. Review status: criteria provided, single submitter. Criteria: ACMG Guidelines, 2015. Collection method: clinical testing. Allele origin: germline. Not counted in ClinVar's aggregate classification.

ARUP Laboratories, Molecular Genetics and Genomics, ARUP Laboratories
Classification: Benign. Last evaluated: 2022-05-06. Review status: criteria provided, single submitter. Criteria: ARUP Molecular Germline Variant Investigation Process 2021. Collection method: clinical testing. Allele origin: germline. Not counted in ClinVar's aggregate classification.

Quest Diagnostics Nichols Institute San Juan Capistrano
Classification: Benign. Last evaluated: 2022-03-11. Review status: criteria provided, single submitter. Criteria: Quest Diagnostics criteria. Collection method: clinical testing. Allele origin: unknown. Not counted in ClinVar's aggregate classification.

Genetics Program, Instituto Nacional de Cancer
Classification: Likely benign for Hereditary breast ovarian cancer syndrome. Last evaluated: 2021-11-01. Review status: criteria provided, single submitter. Criteria: ACMG Guidelines, 2015. Collection method: research. Allele origin: germline. Affected: yes. Not counted in ClinVar's aggregate classification.

Sema4
Classification: Benign for Hereditary cancer-predisposing syndrome. Last evaluated: 2020-12-02. Review status: criteria provided, single submitter. Criteria: Sema4 Curation Guidelines. Collection method: curation. Allele origin: germline. Not counted in ClinVar's aggregate classification.

Genetic Services Laboratory, University of Chicago
Classification: Likely benign. Last evaluated: 2018-09-12. Review status: criteria provided, single submitter. Criteria: ACMG Guidelines, 2015. Collection method: clinical testing. Allele origin: germline. Affected: no. Not counted in ClinVar's aggregate classification.

PreventionGenetics, part of Exact Sciences
Classification: Benign. Last evaluated: 2017-05-05. Review status: criteria provided, single submitter. Criteria: ACMG Guidelines, 2015. Collection method: clinical testing. Allele origin: germline. Not counted in ClinVar's aggregate classification.

Baylor Genetics
Classification: Benign for Familial cancer of breast. Last evaluated: 2017-02-23. Review status: criteria provided, single submitter. Criteria: ACMG Guidelines, 2015. Collection method: clinical testing. Allele origin: germline. Inheritance: Autosomal dominant inheritance. Affected: no. Not counted in ClinVar's aggregate classification.

Color Diagnostics, LLC DBA Color Health
Classification: Benign for Hereditary cancer-predisposing syndrome. Last evaluated: 2016-01-06. Review status: criteria provided, single submitter. Criteria: ACMG Guidelines, 2015. Collection method: clinical testing. Allele origin: germline. Not counted in ClinVar's aggregate classification.

Clinical Genetics DNA and cytogenetics Diagnostics Lab, Erasmus MC, Erasmus Medical Center
Classification: Likely benign for Breast-ovarian cancer, familial, susceptibility to, 2. Last evaluated: 2015-09-21. Review status: criteria provided, single submitter. Criteria: ACGS Guidelines, 2013. Collection method: clinical testing. Allele origin: germline. Affected: yes. Study: VKGL Data-share Consensus. Not counted in ClinVar's aggregate classification.

Eurofins Ntd Llc (ga)
Classification: Benign. Last evaluated: 2015-02-17. Review status: criteria provided, single submitter. Criteria: EGL Classification Definitions 2015. Collection method: clinical testing. Allele origin: germline. Observed: 2 variant alleles, 2 heterozygotes. Not counted in ClinVar's aggregate classification.

Ambry Genetics
Classification: Likely benign for Hereditary cancer-predisposing syndrome. Last evaluated: 2014-09-25. Review status: criteria provided, single submitter. Criteria: Ambry Variant Classification Scheme 2023. Collection method: clinical testing. Allele origin: germline. Not counted in ClinVar's aggregate classification.

GeneDx
Classification: Benign. Last evaluated: 2014-02-25. Review status: criteria provided, single submitter. Criteria: GeneDx Variant Classification (06012015). Collection method: clinical testing. Allele origin: germline. Affected: yes. Not counted in ClinVar's aggregate classification.
Comment: This variant is considered likely benign or benign based on one or more of the following criteria: it is a conservative change, it occurs at a poorly conserved position in the protein, it is predicted to be benign by multiple in silico algorithms, and/or has population frequency not consistent with disease.

Genome Diagnostics Laboratory, Amsterdam University Medical Center
Classification: Likely benign for Breast-ovarian cancer, familial, susceptibility to, 2. Last evaluated: 2017-05-21. Review status: no assertion criteria provided. Criteria: ACGS Guidelines, 2013. Collection method: clinical testing. Allele origin: germline. Affected: yes. Study: VKGL Data-share Consensus. Not counted in ClinVar's aggregate classification.

Clinical Genetics Laboratory, Department of Pathology, Netherlands Cancer Institute
Classification: Likely benign. Review status: no assertion criteria provided. Collection method: clinical testing. Allele origin: germline. Affected: yes. Study: VKGL Data-share Consensus. Not counted in ClinVar's aggregate classification.

Department of Pathology and Laboratory Medicine, Sinai Health System
Classification: Likely benign for Malignant tumor of breast. Review status: no assertion criteria provided. Collection method: clinical testing. Allele origin: unknown. Affected: yes. Observed: 1 variant allele. Study: The Canadian Open Genetics Repository (COGR). Not counted in ClinVar's aggregate classification.
Comment: The BRCA2 p.Gly637Gly variant was identified in 2 of 4206 proband chromosomes (frequency: 0.0000) from individuals or families with hereditary breast and ovarian cancer (Edwards 2003). In addition, the variant was found in one paper classifying BRCA2 mutations in prostate cancer, where it was classified as a polymorphism (Borg 2010). The variant was also identified in dbSNP (ID: rs11571652) â€šÃ„ÃºWith likely benign alleleâ€šÃ„Ã¹ and â€šÃ„Ãºuncertain significance alleleâ€šÃ„Ã¹, with a minor allele frequency of 0.0024 (1000 Genomes Project, Clinvitae database, the ClinVar database (classified as a benign variant GeneDx and Emory Genetics Laboratory and classified as â€šÃ„Ãºlikely benignâ€šÃ„Ã¹ by Ambry Genetics), GeneInsight COGR database(1X, classified as â€šÃ„Ãºunknown significanceâ€šÃ„Ã¹ by a clinical laboratory), the BIC database (1X with unknown clinical importance), and UMD (4X as an unknown variant). This variant was also identified in the Exome Variant Server project in 19 of 4406 African American alleles (frequency: 0.004), and the Exome Aggregation Consortium (ExAC) database (released Jan 13, 2015) in 47 of 9796 chromosomes (frequency: 0.0048) from a population of African individuals, as well as at lower frequencies Latino and European (non-Finnish) individuals, although this low number of observations and low frequency is not substantive enough to determine the prevalence of the variant in the general population and its relationship to disease. The p.Gly637Gly variant is not expected to have clinical significance because it does not result in a change of amino acid. The variant occurs outside of the splicing consensus sequence and in silico or computational prediction software programs (SpliceSiteFinder, MaxEntScan, NNSPLICE, GeneSplicer, HumanSpliceFinder) do not predict a difference in splicing. In summary, based on the above information, the clinical significance of this variant cannot be determined with certainty at this time although we would lean towards a more benign role for this variant. This variant is classified as likely benign.

Genome Diagnostics Laboratory, University Medical Center Utrecht
Classification: Benign. Review status: no assertion criteria provided. Collection method: clinical testing. Allele origin: germline. Affected: yes. Study: VKGL Data-share Consensus. Not counted in ClinVar's aggregate classification.

Literature cited by the submitters: PubMed 18284688 (cited by Quest Diagnostics Nichols Institute San Juan Capistrano); PubMed 20104584 (cited by Quest Diagnostics Nichols Institute San Juan Capistrano); PubMed 12474142 (cited by Quest Diagnostics Nichols Institute San Juan Capistrano); PubMed 26315209 (cited by Quest Diagnostics Nichols Institute San Juan Capistrano); PubMed 23555315 (cited by Quest Diagnostics Nichols Institute San Juan Capistrano); PubMed 36329109 (cited by Genetics Program, Instituto Nacional de Cancer).